The following is an entry in ClinVar:

ClinVar aggregate classification (germline): Benign (1 of 4 stars; one submission).

Conditions:
Congenital ichthyosis of skin. Identifiers: MedGen C0020758.

Allele frequency attached by ClinVar (database versions not stated): gnomAD 0.03910 and 0.04192; TOPMed 0.04467; 1000 Genomes Project 0.04732; 1000 Genomes Project 30x 0.04872.

Submission:

Illumina Laboratory Services, Illumina
Classification: Benign for Congenital ichthyosis of skin. Last evaluated: 2018-01-13. Review status: criteria provided, single submitter. Criteria: ICSL Variant Classification Criteria 13 December 2019. Collection method: clinical testing. Allele origin: germline.
Comment: This variant was observed in the ICSL laboratory as part of a predisposition screen in an ostensibly healthy population. It had not been previously curated by ICSL or reported in the Human Gene Mutation Database (HGMD: prior to June 1st, 2018), and was therefore a candidate for classification through an automated scoring system. Utilizing variant allele frequency, disease prevalence and penetrance estimates, and inheritance mode, an automated score was calculated to assess if this variant is too frequent to cause the disease. Based on the score and internal cut-off values, a variant classified as benign is not then subjected to further curation. The score for this variant resulted in a classification of benign for this disease.

NM_173076.3(ABCA12):c.*881T>C

Genes: ABCA12 (ATP binding cassette subfamily A member 12; minus strand), SNHG31 (small nucleolar RNA host gene 31; plus strand). Cytogenetic location: 2q35.
Variant type: single nucleotide variant.
Coding change: c.*881T>C on transcript NM_173076.3 (MANE Select); 881 bases downstream of the stop codon, T replaced by C.
Molecular consequence: 3 prime UTR variant. On other transcripts: non-coding transcript variant (1).
Genome position (GRCh38, 1-based): chr2:214,931,753, A>G on the plus strand (T>C on the coding strand, the complement: ABCA12 is on the minus strand). VCF-style: chr2-214931753-A-G. GRCh37 (hg19) VCF-style: chr2-215796477-A-G.
Other names: c.*881T>C (NM_015657.4).
Identifiers: ClinVar variation 334205 (VCV000334205.5), dbSNP rs73088446, ClinGen allele CA10614218.